The following is an entry in ClinVar:

ClinVar aggregate classification (germline): Pathogenic (1 of 4 stars; one submission).

Conditions:
DYRK1A-related intellectual disability syndrome (MRD7). Also called: Intellectual developmental disorder, autosomal dominant 7; DYRK1A Syndrome. Identifiers: Orphanet 464306, MedGen C5568143, MONDO:0013578, OMIM 614104.

Submission:

Baylor Genetics
Classification: Pathogenic for Mental retardation, autosomal dominant 7. Last evaluated: 2013-11-07. Review status: criteria provided, single submitter. Criteria: Yang et al. 2013. Collection method: clinical testing. Allele origin: paternal. Inheritance: Autosomal dominant inheritance. Affected: yes. Observed: 1 variant allele, 1 heterozygote. Study: Adult_WES.
Comment: This frameshift variant is categorized as deleterious according to ACMG guidelines (PMID:18414213).

Literature cited by the submitters: PubMed 26633545.

NM_001347721.2(DYRK1A):c.1135dup (p.Ala379fs)

Gene: DYRK1A (dual specificity tyrosine phosphorylation regulated kinase 1A; plus strand). Cytogenetic location: 21q22.13.
Variant type: Duplication.
Coding change: c.1135dup on transcript NM_001347721.2 (MANE Select); coding-DNA position 1135, one base duplicated (G; older notation c.1135dupG).
Protein change: p.Ala379fs; shifts the reading frame from alanine 379.
Molecular consequence: frameshift variant.
Genome position (GRCh38, 1-based): chr21:37,496,181, G duplicated. VCF-style (leftmost placement, unchanged base first): chr21-37496180-A-AG. GRCh37 (hg19) VCF-style: chr21-38868482-A-AG.
Other names: c.1135dup, p.Ala379fs (NM_001347722.2, NM_130436.2); c.1048dup, p.Ala350fs (NM_001347723.2); c.1162dup, p.Ala388fs (NM_001396.5, NM_101395.2, NM_130438.2); short protein forms A388fs, A350fs, A379fs.
Identifiers: ClinVar variation 209151 (VCV000209151.2), dbSNP rs797045042, ClinGen allele CA278540.